The following is an entry in ClinVar:

ClinVar aggregate classification (germline): Pathogenic. Review status: criteria provided, multiple submitters, no conflicts (2 of 4 stars). 3 submissions from 3 submitters: Pathogenic (3). Last evaluated 2024-07-01.

Conditions:
Familial adenomatous polyposis 1 (FAP1). Also called: FAMILIAL ADENOMATOUS POLYPOSIS 1, ATTENUATED; POLYPOSIS, ADENOMATOUS INTESTINAL. Identifiers: MedGen C2713442, MONDO:0021056, OMIM 175100. Disease mechanism: loss of function.
Hereditary cancer-predisposing syndrome. Also called: Tumor predisposition; Hereditary Cancer Syndrome; Neoplastic Syndromes, Hereditary; Hereditary neoplastic syndrome. Identifiers: Orphanet 140162, MedGen C0027672, MeSH D009386, MONDO:0015356.

Submissions (3):

Labcorp Genetics (formerly Invitae), Labcorp
Classification: Pathogenic for Familial adenomatous polyposis 1. Last evaluated: 2024-07-01. Review status: criteria provided, single submitter. Criteria: Invitae Variant Classification Sherloc (09022015). Collection method: clinical testing. Allele origin: germline.
Comment: This sequence change creates a premature translational stop signal (p.Ser943*) in the APC gene. While this is not anticipated to result in nonsense mediated decay, it is expected to disrupt the last 1901 amino acid(s) of the APC protein. This variant is not present in population databases (gnomAD no frequency). This premature translational stop signal has been observed in individual(s) with APC-related conditions (PMID: 12007223). ClinVar contains an entry for this variant (Variation ID: 821863). A different truncation (p.Tyr2645Lysfs*14) that lies downstream of this variant has been determined to be pathogenic (PMID: 9824584, 1316610, 27081525, 8381579, 22135120, Invitae). This suggests that deletion of this region of the APC protein is causative of disease. This variant is expected to disrupt the EB1 and HDLG binding sites, which mediate interactions with the cytoskeleton (PMID: 15311282, 17293347). While functional studies have not been performed to directly test the effect on APC protein function, this suggests that disruption of the C-terminal portion of the protein is functionally important. For these reasons, this variant has been classified as Pathogenic.

Myriad Genetics, Inc.
Classification: Pathogenic for Familial adenomatous polyposis 1. Last evaluated: 2023-05-05. Review status: criteria provided, single submitter. Criteria: Myriad Autosomal Dominant, Autosomal Recessive and X-Linked Classification Criteria (2023). Collection method: clinical testing. Allele origin: unknown.
Comment: This variant is considered pathogenic. This variant creates a termination codon and is predicted to result in premature protein truncation.

Ambry Genetics
Classification: Pathogenic for Hereditary cancer-predisposing syndrome. Last evaluated: 2019-03-20. Review status: criteria provided, single submitter. Criteria: Ambry Variant Classification Scheme 2023. Collection method: clinical testing. Allele origin: germline.
Comment: The p.S943* pathogenic mutation (also known as c.2828C>G), located in coding exon 15 of the APC gene, results from a C to G substitution at nucleotide position 2828. This changes the amino acid from a serine to a stop codon within coding exon 15. This alteration has been reported in several individuals with familial adenomatous polyposis (FAP) from diverse geographic regions in the literature (Gavert N et al. Hum. Mutat. 2002 Jun;19(6):664, Kimi DW et al. Hum. Mutat. 2005 Sep;26(3):281, Khan N et al. Sci. Rep., 2017 05;7:2214). In addition to the clinical data presented in the literature, since premature stop codons are typically deleterious in nature, this alteration is expected to result in loss of function by premature protein truncation or nonsense-mediated mRNA decay. As such, this alteration is interpreted as a disease-causing mutation.

Literature cited by the submitters: PubMed 12007223 (cited by Labcorp Genetics (formerly Invitae), Labcorp); PubMed 9824584 (cited by Labcorp Genetics (formerly Invitae), Labcorp); PubMed 1316610 (cited by Labcorp Genetics (formerly Invitae), Labcorp); PubMed 27081525 (cited by Labcorp Genetics (formerly Invitae), Labcorp); PubMed 8381579 (cited by Labcorp Genetics (formerly Invitae), Labcorp); PubMed 22135120 (cited by Labcorp Genetics (formerly Invitae), Labcorp); PubMed 15311282 (cited by Labcorp Genetics (formerly Invitae), Labcorp); PubMed 17293347 (cited by Labcorp Genetics (formerly Invitae), Labcorp); PubMed 28533537 (cited by Ambry Genetics).

NM_000038.6(APC):c.2828C>G (p.Ser943Ter)

Gene: APC (APC regulator of Wnt signaling pathway; plus strand). Cytogenetic location: 5q22.2.
Variant type: single nucleotide variant.
Coding change: c.2828C>G on transcript NM_000038.6 (MANE Select); coding-DNA position 2828, C replaced by G.
Protein change: p.Ser943Ter; replaces serine 943 with a stop codon.
Molecular consequence: nonsense.
Genome position (GRCh38, 1-based): chr5:112,838,422, C>G. VCF-style: chr5-112838422-C-G. GRCh37 (hg19) VCF-style: chr5-112174119-C-G.
Other names: c.2828C>G, p.Ser943Ter (NM_001127510.3, NM_001354895.2); c.2774C>G, p.Ser925Ter (NM_001127511.3); c.2882C>G, p.Ser961Ter (NM_001354896.2); c.2858C>G, p.Ser953Ter (NM_001354897.2); c.2753C>G, p.Ser918Ter (NM_001354898.2); c.2744C>G, p.Ser915Ter (NM_001354899.2); c.2705C>G, p.Ser902Ter (NM_001354900.2); c.2651C>G, p.Ser884Ter (NM_001354901.2); and 5 more; short protein forms S918*, S961*, S660*, S842*, S915*, S953*, S817*, S852*.
Identifiers: ClinVar variation 821863 (VCV000821863.8), dbSNP rs1554084512, ClinGen allele CA16027501.